The following is an entry in ClinVar:

ClinVar aggregate classification (germline): Benign (1 of 4 stars; one submission).

Conditions:
Familial cancer of breast. Also called: hereditary breast carcinoma; BREAST CANCER, FAMILIAL; Hereditary breast cancer. Identifiers: Orphanet 227535, MedGen C0346153, MONDO:0016419, OMIM 114480. Disease mechanism: loss of function.

gnomAD v4.1: 1 of 1,613,526 alleles (0.000062%); no homozygotes.

Submission:

Myriad Genetics, Inc.
Classification: Benign for Familial cancer of breast. Last evaluated: 2024-06-12. Review status: criteria provided, single submitter. Criteria: Myriad Autosomal Dominant, Autosomal Recessive and X-Linked Classification Criteria (2023). Collection method: clinical testing. Allele origin: unknown.
Comment: This variant is considered benign. This variant is a silent/synonymous amino acid change and it is not expected to impact splicing.

NM_000051.4(ATM):c.6981T>C (p.Asn2327=)

Genes: ATM (ATM serine/threonine kinase; plus strand), C11orf65 (chromosome 11 open reading frame 65; minus strand). Cytogenetic location: 11q22.3.
Variant type: single nucleotide variant.
Coding change: c.6981T>C on transcript NM_000051.4 (MANE Select); coding-DNA position 6981, T replaced by C.
Protein change: p.Asn2327=; no amino-acid change (asparagine 2327 retained).
Molecular consequence: synonymous variant. On other transcripts: intron variant (2).
Genome position (GRCh38, 1-based): chr11:108,327,650, T>C. VCF-style: chr11-108327650-T-C. GRCh37 (hg19) VCF-style: chr11-108198377-T-C.
Other names: c.6981T>C, p.Asn2327= (NM_001351834.2); c.641-18579A>G (NM_001330368.2); c.*38+7570A>G (NM_001351110.2).
Identifiers: ClinVar variation 3253787 (VCV003253787.1), dbSNP rs2547231486.